The following is an entry in ClinVar:

ClinVar aggregate classification (germline): Likely pathogenic. Review status: criteria provided, multiple submitters, no conflicts (2 of 4 stars). 2 submissions from 2 submitters: Likely pathogenic (2). Last evaluated 2025-03-04.

Conditions:
KCNQ2-Related Disorders. Also called: KCNQ2-related condition; KCNQ2-related disorder. Identifiers: MedGen CN169299.

Submissions (2):

GeneDx
Classification: Likely pathogenic. Last evaluated: 2025-03-04. Review status: criteria provided, single submitter. Criteria: GeneDx Variant Classification Process June 2021. Collection method: clinical testing. Allele origin: germline. Affected: yes.
Comment: Not observed at significant frequency in large population cohorts (gnomAD); In silico analysis supports that this missense variant has a deleterious effect on protein structure/function; This substitution is predicted to be within the transmembrane segment S3; This variant is associated with the following publications: (PMID: 35982159, 33057194)

Illumina Laboratory Services, Illumina
Classification: Likely pathogenic for KCNQ2-Related Disorders. Last evaluated: 2021-03-11. Review status: criteria provided, single submitter. Criteria: ICSLVariantClassificationCriteria RUGD 01 April 2020. Collection method: clinical testing. Allele origin: unknown.
Comment: The KCNQ2 c.506G>T (p.Cys169Phe) variant is a missense variant. A literature search was performed for the gene, cDNA change, and amino acid change. No publications were found based on this search. This variant is not found in the Genome Aggregation Database in a region of good sequencing coverage, so the variant is presumed to be rare. The p.Cys169Phe variant lies within a helical transmembrane domain and multiple in silico analysis tools predict this variant to be disruptive to the protein. Based on the identification of the variant in a de novo state, its rarity, and application of the ACMG criteria, the p.Cys169Phe variant is classified as likely pathogenic for KCNQ2-related disorders.

NM_172107.4(KCNQ2):c.506G>T (p.Cys169Phe)

Gene: KCNQ2 (potassium voltage-gated channel subfamily Q member 2; minus strand). Cytogenetic location: 20q13.33.
Variant type: single nucleotide variant.
Coding change: c.506G>T on transcript NM_172107.4 (MANE Select); coding-DNA position 506, G replaced by T.
Protein change: p.Cys169Phe; replaces cysteine 169 with phenylalanine.
Molecular consequence: missense variant.
Genome position (GRCh38, 1-based): chr20:63,445,246, C>A on the plus strand (G>T on the coding strand, the complement: KCNQ2 is on the minus strand). VCF-style: chr20-63445246-C-A. GRCh37 (hg19) VCF-style: chr20-62076599-C-A.
Other names: c.506G>T, p.Cys169Phe (NM_004518.6, NM_172106.3, NM_172108.5 and 1 more transcripts); short protein forms C169F.
Identifiers: ClinVar variation 418726 (VCV000418726.7), dbSNP rs1064793392, ClinGen allele CA16620976.